The following is an entry in ClinVar:

NM_000388.4(CASR):c.2372C>T (p.Ala791Val)

Gene: CASR (calcium sensing receptor; plus strand). Cytogenetic location: 3q21.1.
Variant type: single nucleotide variant.
Coding change: c.2372C>T on transcript NM_000388.4 (MANE Select); coding-DNA position 2372, C replaced by T.
Protein change: p.Ala791Val; replaces alanine 791 with valine.
Molecular consequence: missense variant.
Genome position (GRCh38, 1-based): chr3:122,284,326, C>T. VCF-style: chr3-122284326-C-T. GRCh37 (hg19) VCF-style: chr3-122003173-C-T.
Other names: c.2402C>T, p.Ala801Val (NM_001178065.2); short protein forms A791V, A801V.
Identifiers: ClinVar variation 3231539 (VCV003231539.1), dbSNP rs2473279772, ClinGen allele CA354159653.

ClinVar aggregate classification (germline): Uncertain significance (1 of 4 stars; one submission).

Conditions:
Nephrolithiasis/nephrocalcinosis. Identifiers: MedGen CN580796.

Allele frequency attached by ClinVar (database versions not stated): gnomAD exomes below 0.00001.
gnomAD v4.1: 1 of 1,614,100 alleles (0.000062%); highest among the groups gnomAD compares: Non-Finnish European, 0.000085%; no homozygotes.

Submission:

Ambry Genetics
Classification: Uncertain significance for Nephrolithiasis/nephrocalcinosis. Last evaluated: 2023-07-21. Review status: criteria provided, single submitter. Criteria: Ambry Variant Classification Scheme 2023. Collection method: clinical testing. Allele origin: germline.
Comment: The p.A791V variant (also known as c.2372C>T), located in coding exon 6 of the CASR gene, results from a C to T substitution at nucleotide position 2372. The alanine at codon 791 is replaced by valine, an amino acid with similar properties. This amino acid position is conserved. In addition, this alteration is predicted to be deleterious by in silico analysis. Since supporting evidence is limited at this time, the clinical significance of this alteration remains unclear.